The following is an entry in ClinVar:

NM_001365999.1(SZT2):c.6008G>T (p.Arg2003Leu)

Gene: SZT2 (SZT2 subunit of KICSTOR complex; plus strand). Cytogenetic location: 1p34.2.
Variant type: single nucleotide variant.
Coding change: c.6008G>T on transcript NM_001365999.1 (MANE Select); coding-DNA position 6008, G replaced by T.
Protein change: p.Arg2003Leu; replaces arginine 2003 with leucine.
Molecular consequence: missense variant.
Genome position (GRCh38, 1-based): chr1:43,435,303, G>T. VCF-style: chr1-43435303-G-T. GRCh37 (hg19) VCF-style: chr1-43900974-G-T.
Other names: c.5837G>T, p.Arg1946Leu (NM_015284.4); short protein forms R1946L, R2003L.
Identifiers: ClinVar variation 1899512 (VCV001899512.4), dbSNP rs769784174, ClinGen allele CA809761.

ClinVar aggregate classification (germline): Uncertain significance (1 of 4 stars; one submission).

Allele frequency attached by ClinVar (database versions not stated): TOPMed below 0.00001; gnomAD 0.00001.
gnomAD v4.1: 5 of 1,613,980 alleles (0.00031%); highest among the groups gnomAD compares: East Asian, 0.011%; no homozygotes.

Submission:

Labcorp Genetics (formerly Invitae), Labcorp
Classification: Uncertain significance. Last evaluated: 2021-12-08. Review status: criteria provided, single submitter. Criteria: Invitae Variant Classification Sherloc (09022015). Collection method: clinical testing. Allele origin: germline.
Comment: This variant is present in population databases (rs769784174, gnomAD 0.02%). This sequence change replaces arginine, which is basic and polar, with leucine, which is neutral and non-polar, at codon 1946 of the SZT2 protein (p.Arg1946Leu). This variant has not been reported in the literature in individuals affected with SZT2-related conditions. In summary, the available evidence is currently insufficient to determine the role of this variant in disease. Therefore, it has been classified as a Variant of Uncertain Significance. Algorithms developed to predict the effect of missense changes on protein structure and function are either unavailable or do not agree on the potential impact of this missense change (SIFT: "Tolerated"; PolyPhen-2: "Probably Damaging"; Align-GVGD: "Class C15").